The following is an entry in ClinVar:

NM_014915.3(ANKRD26):c.2391AGA[2] (p.Glu800del)

Gene: ANKRD26 (ankyrin repeat domain 26; minus strand). Cytogenetic location: 10p12.1.
Variant type: Microsatellite.
Coding change: c.2391AGA[2] on transcript NM_014915.3 (MANE Select); two copies in a row of the 3-base unit AGA starting at c.2391; the reference has three copies in a row; one copy, 3 bases deleted.
Protein change: p.Glu800del; deletes glutamic acid 800.
Molecular consequence: inframe deletion.
Genome position (GRCh38, 1-based): chr10:27,038,031-27,038,033, TCT deleted on the plus strand (AGA on the coding strand, the reverse complement: ANKRD26 is on the minus strand); deleting any 3 consecutive bases within chr10:27,038,031-27,038,040 gives the same sequence; the position shown is the placement nearest the transcript's 3' end. VCF-style (leftmost placement, unchanged base first): chr10-27038030-CTCT-C. GRCh37 (hg19) VCF-style: chr10-27326959-CTCT-C.
Other names: c.2388AGA[2], p.Glu799del (NM_001256053.2); short protein forms E799del, E800del.
Identifiers: ClinVar variation 2732335 (VCV002732335.3), dbSNP rs779576235, ClinGen allele CA5448228.

ClinVar aggregate classification (germline): Uncertain significance (1 of 4 stars; one submission).

Submission:

Labcorp Genetics (formerly Invitae), Labcorp
Classification: Uncertain significance. Last evaluated: 2023-12-26. Review status: criteria provided, single submitter. Criteria: Invitae Variant Classification Sherloc (09022015). Collection method: clinical testing. Allele origin: germline.
Comment: This variant, c.2397_2399del, results in the deletion of 1 amino acid(s) of the ANKRD26 protein (p.Glu800del), but otherwise preserves the integrity of the reading frame. The frequency data for this variant in the population databases is considered unreliable, as metrics indicate poor data quality at this position in the gnomAD database. This variant has not been reported in the literature in individuals affected with ANKRD26-related conditions. Experimental studies and prediction algorithms are not available or were not evaluated, and the functional significance of this variant is currently unknown. In summary, the available evidence is currently insufficient to determine the role of this variant in disease. Therefore, it has been classified as a Variant of Uncertain Significance.